The following is an entry in ClinVar:

NM_006231.4(POLE):c.4785G>T (p.Arg1595Ser)

Gene: POLE (DNA polymerase epsilon, catalytic subunit; minus strand). Cytogenetic location: 12q24.33.
Variant type: single nucleotide variant.
Coding change: c.4785G>T on transcript NM_006231.4 (MANE Select); coding-DNA position 4785, G replaced by T.
Protein change: p.Arg1595Ser; replaces arginine 1595 with serine.
Molecular consequence: missense variant.
Genome position (GRCh38, 1-based): chr12:132,642,673, C>A on the plus strand (G>T on the coding strand, the complement: POLE is on the minus strand). VCF-style: chr12-132642673-C-A. GRCh37 (hg19) VCF-style: chr12-133219259-C-A.
Other names: short protein forms R1595S.
Identifiers: ClinVar variation 839807 (VCV000839807.7), dbSNP rs1259912985, ClinGen allele CA387378395.

ClinVar aggregate classification (germline): Uncertain significance (1 of 4 stars; one submission).

gnomAD v4.1: 1 of 1,613,796 alleles (0.000062%); highest among the groups gnomAD compares: Non-Finnish European, 0.000085%; no homozygotes.

Submission:

Labcorp Genetics (formerly Invitae), Labcorp
Classification: Uncertain significance. Last evaluated: 2021-12-11. Review status: criteria provided, single submitter. Criteria: Invitae Variant Classification Sherloc (09022015). Collection method: clinical testing. Allele origin: germline.
Comment: Algorithms developed to predict the effect of missense changes on protein structure and function are either unavailable or do not agree on the potential impact of this missense change (SIFT: "Deleterious"; PolyPhen-2: "Benign"; Align-GVGD: "Class C35"). ClinVar contains an entry for this variant (Variation ID: 839807). This variant has not been reported in the literature in individuals affected with POLE-related conditions. This variant is not present in population databases (gnomAD no frequency). This sequence change replaces arginine, which is basic and polar, with serine, which is neutral and polar, at codon 1595 of the POLE protein (p.Arg1595Ser). In summary, the available evidence is currently insufficient to determine the role of this variant in disease. Therefore, it has been classified as a Variant of Uncertain Significance.